The following is an entry in ClinVar:

ClinVar aggregate classification (germline): Conflicting classifications of pathogenicity. Review status: criteria provided, conflicting classifications (1 of 4 stars). 3 submissions from 3 submitters: Uncertain significance (1); Likely benign (1). 1 of the submissions does not count toward it. Last evaluated 2026-02-16.

Conditions:
KRAS-related disorder. Also called: KRAS-related disorders; KRAS-related condition.

Allele frequency attached by ClinVar (database versions not stated): gnomAD 0.00002; TOPMed 0.00005.
gnomAD v4.1: 45 of 1,612,026 alleles (0.0028%); highest among the groups gnomAD compares: Non-Finnish European, 0.0038%; no homozygotes.

Submissions (3):

PreventionGenetics, part of Exact Sciences
Classification: Uncertain significance for KRAS-related condition. Last evaluated: 2026-02-16. Review status: criteria provided, single submitter. Criteria: ACMG Guidelines, 2015. Collection method: clinical testing. Allele origin: germline.
Comment: The KRAS c.496T>A variant is predicted to result in the amino acid substitution p.Tyr166Asn. To our knowledge, this variant has not been reported in the literature. This variant is reported in 0.0093% of alleles in individuals of European (Non-Finnish) descent in gnomAD. At this time, the clinical significance of this variant is uncertain due to the absence of conclusive functional and genetic evidence.

GeneDx
Classification: Likely benign. Last evaluated: 2017-11-24. Review status: criteria provided, single submitter. Criteria: GeneDx Variant Classification (06012015). Collection method: clinical testing. Allele origin: germline. Affected: yes.
Comment: This variant is considered likely benign or benign based on one or more of the following criteria: it is a conservative change, it occurs at a poorly conserved position in the protein, it is predicted to be benign by multiple in silico algorithms, and/or has population frequency not consistent with disease.

Laboratory for Molecular Medicine, Mass General Brigham Personalized Medicine
Classification: Likely benign. Last evaluated: 2008-03-01. Review status: no assertion criteria provided. Collection method: clinical testing. Allele origin: germline. Observed: 2 variant alleles. Not counted in ClinVar's aggregate classification.

NM_004985.5(KRAS):c.451-5604T>A

Gene: KRAS (KRas proto-oncogene, GTPase; minus strand). Cytogenetic location: 12p12.1.
Variant type: single nucleotide variant.
Coding change: c.451-5604T>A on transcript NM_004985.5 (MANE Select); 5604 bases into the intron before coding-DNA position 451, T replaced by A.
Molecular consequence: intron variant. On other transcripts: missense variant (2).
Genome position (GRCh38, 1-based): chr12:25,215,515, A>T on the plus strand (T>A on the coding strand, the complement: KRAS is on the minus strand). VCF-style: chr12-25215515-A-T. GRCh37 (hg19) VCF-style: chr12-25368449-A-T.
Other names: p.Y166N:TAC>AAC; c.496T>A, p.Tyr166Asn (NM_001369786.1, NM_033360.4); c.451-5604T>A (NM_001369787.1); c.496T>A (NM_033360.3); short protein forms Y166N.
Identifiers: ClinVar variation 46539 (VCV000046539.5), dbSNP rs397517476, ClinGen allele CA138586.